The following is an entry in ClinVar:

ClinVar aggregate classification (germline): Uncertain significance (1 of 4 stars; one submission).

Conditions:
Familial thoracic aortic aneurysm and aortic dissection (TAAD). Also called: Thoracic aortic aneurysms and dissections. Identifiers: Orphanet 91387, MedGen C4707243, MONDO:0019625.
Hereditary cancer-predisposing syndrome. Also called: Neoplastic Syndromes, Hereditary; Tumor predisposition; Hereditary Cancer Syndrome; Hereditary neoplastic syndrome. Identifiers: Orphanet 140162, MedGen C0027672, MeSH D009386, MONDO:0015356.

Submission:

Ambry Genetics
Classification: Uncertain significance for Hereditary cancer-predisposing syndrome; Familial thoracic aortic aneurysm and aortic dissection. Last evaluated: 2026-05-01. Review status: criteria provided, single submitter. Criteria: Ambry Variant Classification Scheme 2023. Collection method: clinical testing. Allele origin: germline.
Comment: The p.T453S variant (also known as c.1357A>T), located in coding exon 10 of the SMAD4 gene, results from an A to T substitution at nucleotide position 1357. The threonine at codon 453 is replaced by serine, an amino acid with similar properties. This amino acid position is conserved. In addition, the in silico prediction for this alteration is inconclusive. Based on the available evidence, the clinical significance of this variant remains unclear.

NM_005359.6(SMAD4):c.1357A>T (p.Thr453Ser)

Gene: SMAD4 (SMAD family member 4; plus strand). Cytogenetic location: 18q21.2.
Variant type: single nucleotide variant.
Coding change: c.1357A>T on transcript NM_005359.6 (MANE Select); coding-DNA position 1357, A replaced by T.
Protein change: p.Thr453Ser; replaces threonine 453 with serine.
Molecular consequence: missense variant. On other transcripts: non-coding transcript variant (1).
Genome position (GRCh38, 1-based): chr18:51,076,686, A>T. VCF-style: chr18-51076686-A-T. GRCh37 (hg19) VCF-style: chr18-48603056-A-T.
Other names: c.1357A>T, p.Thr453Ser (NM_001407041.1, NM_001407042.1); short protein forms T453S.
Identifiers: ClinVar variation 4864704 (VCV004864704.1).